The following is an entry in ClinVar:

ClinVar aggregate classification (germline): Uncertain significance (1 of 4 stars; one submission).

gnomAD v4.1: 4 of 1,613,958 alleles (0.00025%); highest among the groups gnomAD compares: Non-Finnish European, 0.00034%; no homozygotes.

Submission:

GeneDx
Classification: Uncertain significance. Last evaluated: 2024-07-05. Review status: criteria provided, single submitter. Criteria: GeneDx Variant Classification Process June 2021. Collection method: clinical testing. Allele origin: germline. Affected: yes.
Comment: Not observed at significant frequency in large population cohorts (gnomAD); Missense variant in a gene in which most reported pathogenic variants are truncating/loss of function; Has not been previously published as pathogenic or benign to our knowledge

NM_001267550.2(TTN):c.104037G>C (p.Glu34679Asp)

Genes: TTN (titin; minus strand), TTN-AS1 (TTN antisense RNA 1; plus strand). Cytogenetic location: 2q31.2.
Variant type: single nucleotide variant.
Coding change: c.104037G>C on transcript NM_001267550.2 (MANE Select); coding-DNA position 104037, G replaced by C.
Protein change: p.Glu34679Asp; replaces glutamic acid 34679 with aspartic acid.
Molecular consequence: missense variant.
Genome position (GRCh38, 1-based): chr2:178,532,578, C>G on the plus strand (G>C on the coding strand, the complement: TTN is on the minus strand). VCF-style: chr2-178532578-C-G. GRCh37 (hg19) VCF-style: chr2-179397305-C-G.
Other names: c.99114G>C, p.Glu33038Asp (NM_001256850.1); c.76842G>C, p.Glu25614Asp (NM_003319.4); c.96333G>C, p.Glu32111Asp (NM_133378.4); c.77217G>C, p.Glu25739Asp (NM_133432.3); c.77418G>C, p.Glu25806Asp (NM_133437.4); short protein forms E34679D, E25739D, E33038D, E25806D, E32111D, E25614D.
Identifiers: ClinVar variation 3393796 (VCV003393796.1).